The following is an entry in ClinVar:

ClinVar aggregate classification (germline): Uncertain significance (1 of 4 stars; one submission).

Conditions:
Autism (AUTS). Also called: Autistic disorder of childhood onset; Autistic disorder. Identifiers: MedGen C0004352, MeSH D001321, MONDO:0005260, OMIM 209850, HP:0000717.

Allele frequency attached by ClinVar (database versions not stated): gnomAD exomes below 0.00001.
gnomAD v4.1: 1 of 1,209,511 alleles (0.000083%); highest among the groups gnomAD compares: Middle Eastern, 0.023%; no homozygotes.

Submission:

Clinical Genomics Laboratory, Washington University in St. Louis
Classification: Uncertain significance for Autism. Last evaluated: 2023-10-23. Review status: criteria provided, single submitter. Criteria: ACMG Guidelines, 2015. Collection method: clinical testing. Allele origin: germline.
Comment: The PLXNA3 c.1691A>G (p.Asn564Ser) variant, to our knowledge, has not been reported in the medical literature and is absent from the general population (gnomAD v.2.1.1), indicating it is not a common variant. Computational predictors are uncertain as to the impact of this variant on PLXNA3 function. Due to limited information, and based on ACMG/AMP guidelines for variant interpretation (Richards S et al., PMID: 25741868), the clinical significance of this variant is uncertain at this time.

NM_017514.5(PLXNA3):c.1691A>G (p.Asn564Ser)

Gene: PLXNA3 (plexin A3; plus strand). Cytogenetic location: Xq28.
Variant type: single nucleotide variant.
Coding change: c.1691A>G on transcript NM_017514.5 (MANE Select); coding-DNA position 1691, A replaced by G.
Protein change: p.Asn564Ser; replaces asparagine 564 with serine.
Molecular consequence: missense variant.
Genome position (GRCh38, 1-based): chrX:154,464,176, A>G. VCF-style: chrX-154464176-A-G. GRCh37 (hg19) VCF-style: chrX-153692519-A-G.
Other names: short protein forms N564S.
Identifiers: ClinVar variation 2672167 (VCV002672167.1), dbSNP rs2523076144, ClinGen allele CA415236418.